The following is an entry in ClinVar:

NC_012920.1(MT-ND4L):m.10635G>A

Gene: MT-ND4L (mitochondrially encoded NADH dehydrogenase 4L; plus strand).
Variant type: single nucleotide variant.
Genome position: chrM-10635-G-A.
Identifiers: ClinVar variation 693305 (VCV000693305.1), dbSNP rs1603222924, ClinGen allele CA414806169.

ClinVar aggregate classification (germline): Likely benign (1 of 4 stars; one submission).

Conditions:
Leigh syndrome (NULS). Also called: Leigh's necrotizing encephalopathy; Leigh's disease; Leigh Syndrome (mtDNA deletion); Leigh Disease; Subacute necrotizing encephalopathy; Necrotizing encephalopathy infantile subacute of Leigh. Identifiers: Orphanet 506, MedGen C2931891, MONDO:0009723, OMIM 256000.

Submission:

Wong Mito Lab, Molecular and Human Genetics, Baylor College of Medicine
Classification: Likely benign for Leigh syndrome. Last evaluated: 2019-10-17. Review status: criteria provided, single submitter. Criteria: Modified ACMG Guidelines (Unpublished). Collection method: clinical testing. Allele origin: germline.
Comment: The NC_012920.1:m.10635G>A (YP_003024034.1:p.Ala56Thr) variant in MTND4L gene is interpretated to be a Likely Benign variant based on the modified ACMG guidelines (unpublished). This variant meets the following evidence codes: BS4, BP4